The following is an entry in ClinVar:

NM_138792.4(LEO1):c.1505G>C (p.Arg502Thr)

Gene: LEO1 (LEO1 homolog, Paf1/RNA polymerase II complex component; minus strand). Cytogenetic location: 15q21.2.
Variant type: single nucleotide variant.
Coding change: c.1505G>C on transcript NM_138792.4 (MANE Select); coding-DNA position 1505, G replaced by C.
Protein change: p.Arg502Thr; replaces arginine 502 with threonine.
Molecular consequence: missense variant.
Genome position (GRCh38, 1-based): chr15:51,951,950, C>G on the plus strand (G>C on the coding strand, the complement: LEO1 is on the minus strand). VCF-style: chr15-51951950-C-G. GRCh37 (hg19) VCF-style: chr15-52244147-C-G.
Other names: c.1325G>C, p.Arg442Thr (NM_001286430.2); c.1505G>C, p.Arg502Thr (NM_001323903.2, NM_001323904.2, NM_001426597.1 and 1 more transcripts); short protein forms R442T, R502T.
Identifiers: ClinVar variation 3901296 (VCV003901296.1).
Genomic context (GRCh38, chr15:51,951,950, plus strand): 5'-GGCAAGATTCTAATCTTCTGTGTCTTTGAACACCTATCTGCAAGTGACAGAGTCATCTTT[C>G]TATGTGTGGCACTGTCCGTAGAGTGAGGTCTGCCAGGAAATAAACGAAGAGCATATCACT-3'
Protein context (NP_620147.1, residues 492-512): RPHSTDSATH[Arg502Thr]KMTLSLADRC

ClinVar aggregate classification (germline): Uncertain significance (1 of 4 stars; one submission).

Submission:

GeneDx
Classification: Uncertain significance. Last evaluated: 2024-12-04. Review status: criteria provided, single submitter. Criteria: GeneDx Variant Classification Process June 2021. Collection method: clinical testing. Allele origin: germline. Affected: yes.
Comment: Not observed at significant frequency in large population cohorts (gnomAD); In silico analysis supports that this missense variant has a deleterious effect on protein structure/function; Has not been previously published as pathogenic or benign to our knowledge